The following is an entry in ClinVar:

NM_000393.5(COL5A2):c.3633+118G>A

Gene: COL5A2 (collagen type V alpha 2 chain; minus strand). Cytogenetic location: 2q32.2.
Variant type: single nucleotide variant.
Coding change: c.3633+118G>A on transcript NM_000393.5 (MANE Select); 118 bases into the intron after coding-DNA position 3633, G replaced by A.
Molecular consequence: intron variant.
Genome position (GRCh38, 1-based): chr2:189,041,468, C>T on the plus strand (G>A on the coding strand, the complement: COL5A2 is on the minus strand). VCF-style: chr2-189041468-C-T. GRCh37 (hg19) VCF-style: chr2-189906194-C-T.
Identifiers: ClinVar variation 675289 (VCV000675289.2), dbSNP rs59631824, ClinGen allele CA62586866.

ClinVar aggregate classification (germline): Benign. Review status: criteria provided, multiple submitters, no conflicts (2 of 4 stars). 2 submissions from 2 submitters: Benign (2). Last evaluated 2018-06-14.

Allele frequency attached by ClinVar (database versions not stated): gnomAD exomes 0.04047; 1000 Genomes Project 0.04692; 1000 Genomes Project 30x 0.04778; gnomAD 0.05276; TOPMed 0.05657.
gnomAD v4.1: 35,017 of 805,230 alleles (4.3%); highest among the groups gnomAD compares: African/African-American, 9.2%; 903 homozygotes.

Submissions (2):

GeneDx
Classification: Benign. Last evaluated: 2018-06-14. Review status: criteria provided, single submitter. Criteria: GeneDx Variant Classification (06012015). Collection method: clinical testing. Allele origin: germline. Affected: yes.
Comment: This variant is considered likely benign or benign based on one or more of the following criteria: it is a conservative change, it occurs at a poorly conserved position in the protein, it is predicted to be benign by multiple in silico algorithms, and/or has population frequency not consistent with disease.

Breakthrough Genomics
Classification: Benign. Review status: criteria provided, single submitter. Criteria: ACMG Guidelines, 2015. Collection method: not provided. Allele origin: germline. Inheritance: Autosomal dominant inheritance. Affected: yes.